The following is an entry in ClinVar:

NM_003900.5(SQSTM1):c.1038G>A (p.Val346=)

Gene: SQSTM1 (sequestosome 1; plus strand). Cytogenetic location: 5q35.3.
Variant type: single nucleotide variant.
Coding change: c.1038G>A on transcript NM_003900.5 (MANE Select); coding-DNA position 1038, G replaced by A.
Protein change: p.Val346=; no amino-acid change (valine 346 retained).
Molecular consequence: synonymous variant.
Genome position (GRCh38, 1-based): chr5:179,833,655, G>A. VCF-style: chr5-179833655-G-A. GRCh37 (hg19) VCF-style: chr5-179260655-G-A.
Other names: c.786G>A, p.Val262= (NM_001142298.2, NM_001142299.2).
Identifiers: ClinVar variation 586682 (VCV000586682.33), dbSNP rs150470670, ClinGen allele CA3600784.

ClinVar aggregate classification (germline): Benign/Likely benign. Review status: criteria provided, multiple submitters, no conflicts (2 of 4 stars). 6 submissions from 6 submitters: Benign (1); Likely benign (4). 1 of the submissions does not count toward it. Last evaluated 2026-01-05.

Conditions:
SQSTM1-related disorder. Also called: SQSTM1-Related Disorders.
Frontotemporal dementia and/or amyotrophic lateral sclerosis 1 (FTDALS1). Also called: C9orf72 Frontotemporal Dementia and/or Amyotrophic Lateral Sclerosis; Frontotemporal dementia with motor neuron disease 1. Identifiers: Orphanet 275872, MedGen C5779877, MONDO:0007105, OMIM 105550.
Paget disease of bone 2, early-onset (PDB2). Also called: Paget disease of bone 2. Identifiers: MedGen C4085251, MONDO:0011183, OMIM 602080.

Allele frequency attached by ClinVar (database versions not stated): TOPMed 0.00014; 1000 Genomes Project 30x 0.00016; gnomAD 0.00017 and 0.00018; 1000 Genomes Project 0.00020; ExAC 0.00021; gnomAD exomes 0.00021 and 0.00022; ESP Exome Variant Server 0.00031.
gnomAD v4.1: 339 of 1,614,132 alleles (0.021%); highest among the groups gnomAD compares: Non-Finnish European, 0.027%; 1 homozygote.

Submissions (6):

Labcorp Genetics (formerly Invitae), Labcorp
Classification: Likely benign for Paget disease of bone 2, early-onset; Frontotemporal dementia and/or amyotrophic lateral sclerosis 1. Last evaluated: 2026-01-05. Review status: criteria provided, single submitter. Criteria: Invitae Variant Classification Sherloc (09022015). Collection method: clinical testing. Allele origin: germline.

Blueprint Genetics
Classification: Likely benign. Last evaluated: 2024-10-25. Review status: criteria provided, single submitter. Criteria: ACMG Guidelines, 2015. Collection method: clinical testing. Allele origin: germline.

CeGaT Center for Human Genetics Tuebingen
Classification: Likely benign. Last evaluated: 2024-06-01. Review status: criteria provided, single submitter. Criteria: CeGaT Center For Human Genetics Tuebingen Variant Classification Criteria Version 2. Collection method: clinical testing. Allele origin: germline. Affected: yes. Observed: 1 variant allele.
Comment: SQSTM1: BP4, BP7

Athena Diagnostics
Classification: Benign. Last evaluated: 2017-10-20. Review status: criteria provided, single submitter. Criteria: Athena Diagnostics Criteria. Collection method: clinical testing. Allele origin: germline.

Breakthrough Genomics
Classification: Likely benign. Review status: criteria provided, single submitter. Criteria: ACMG Guidelines, 2015. Collection method: not provided. Allele origin: germline. Inheritance: Autosomal recessive inheritance. Affected: yes.

PreventionGenetics, part of Exact Sciences
Classification: Likely benign for SQSTM1-related condition. Last evaluated: 2020-01-30. Review status: no assertion criteria provided. Collection method: clinical testing. Allele origin: germline. Not counted in ClinVar's aggregate classification.
Comment: This variant is classified as likely benign based on ACMG/AMP sequence variant interpretation guidelines (Richards et al. 2015 PMID: 25741868, with internal and published modifications).

Literature cited by the submitters: PubMed 23942205 (cited by Athena Diagnostics).